The following is an entry in ClinVar:

ClinVar aggregate classification (germline): Uncertain significance (1 of 4 stars; one submission).

Submission:

GeneDx
Classification: Uncertain significance. Last evaluated: 2024-06-27. Review status: criteria provided, single submitter. Criteria: GeneDx Variant Classification Process June 2021. Collection method: clinical testing. Allele origin: germline. Affected: yes.
Comment: Not observed at significant frequency in large population cohorts (gnomAD); In silico analysis supports that this missense variant has a deleterious effect on protein structure/function; Has not been previously published as pathogenic or benign to our knowledge

NM_014633.5(CTR9):c.920A>G (p.Glu307Gly)

Gene: CTR9 (CTR9 homolog, Paf1/RNA polymerase II complex component; plus strand). Cytogenetic location: 11p15.4.
Variant type: single nucleotide variant.
Coding change: c.920A>G on transcript NM_014633.5 (MANE Select); coding-DNA position 920, A replaced by G.
Protein change: p.Glu307Gly; replaces glutamic acid 307 with glycine.
Molecular consequence: missense variant.
Genome position (GRCh38, 1-based): chr11:10,763,501, A>G. VCF-style: chr11-10763501-A-G. GRCh37 (hg19) VCF-style: chr11-10785048-A-G.
Other names: c.920A>G, p.Glu307Gly (NM_001346279.2); short protein forms E307G.
Identifiers: ClinVar variation 3392970 (VCV003392970.1).